The following is an entry in ClinVar:

ClinVar aggregate classification (germline): Benign/Likely benign. Review status: criteria provided, multiple submitters, no conflicts (2 of 4 stars). 8 submissions from 8 submitters: Benign (5); Likely benign (3). Last evaluated 2026-02-04.

Conditions:
Familial thoracic aortic aneurysm and aortic dissection (TAAD). Also called: Thoracic aortic aneurysms and dissections. Identifiers: Orphanet 91387, MedGen C4707243, MONDO:0019625.
Classic homocystinuria. Also called: HOMOCYSTINURIA WITH OR WITHOUT RESPONSE TO PYRIDOXINE; Homocystinuria due to Cystathionine Beta-Synthase Deficiency; Homocystinuria due to CBS deficiency; Cystathionine beta-synthase deficiency; CBS deficiency. Identifiers: Orphanet 394, MedGen C0751202, MONDO:0009352, OMIM 236200.
HYPERHOMOCYSTEINEMIA, THROMBOTIC, CBS-RELATED. Identifiers: MedGen C3150344, OMIM 236200.

Allele frequency attached by ClinVar (database versions not stated): ExAC 0.00138; 1000 Genomes Project 0.00260; gnomAD 0.00373; TOPMed 0.00433; ESP Exome Variant Server 0.00461.

Submissions (8):

Labcorp Genetics (formerly Invitae), Labcorp
Classification: Benign for HYPERHOMOCYSTEINEMIA, THROMBOTIC, CBS-RELATED. Last evaluated: 2026-02-04. Review status: criteria provided, single submitter. Criteria: Invitae Variant Classification Sherloc (09022015). Collection method: clinical testing. Allele origin: germline.

Blueprint Genetics
Classification: Likely benign. Last evaluated: 2024-08-28. Review status: criteria provided, single submitter. Criteria: ACMG Guidelines, 2015. Collection method: clinical testing. Allele origin: germline.

ARUP Laboratories, Molecular Genetics and Genomics, ARUP Laboratories
Classification: Benign. Last evaluated: 2023-12-19. Review status: criteria provided, single submitter. Criteria: ARUP Molecular Germline Variant Investigation Process 2024. Collection method: clinical testing. Allele origin: germline.

Women's Health and Genetics/Laboratory Corporation of America, LabCorp
Classification: Likely benign. Last evaluated: 2023-08-10. Review status: criteria provided, single submitter. Criteria: LabCorp Variant Classification Summary - May 2015. Collection method: clinical testing. Allele origin: germline.

Fulgent Genetics
Classification: Benign for Classic homocystinuria. Last evaluated: 2021-07-02. Review status: criteria provided, single submitter. Criteria: ACMG Guidelines, 2015. Collection method: clinical testing. Allele origin: unknown.

Ambry Genetics
Classification: Likely benign for Familial thoracic aortic aneurysm and aortic dissection. Last evaluated: 2015-08-21. Review status: criteria provided, single submitter. Criteria: Ambry Variant Classification Scheme 2023. Collection method: clinical testing. Allele origin: germline.

GeneDx
Classification: Benign. Last evaluated: 2013-12-26. Review status: criteria provided, single submitter. Criteria: GeneDx Variant Classification (06012015). Collection method: clinical testing. Allele origin: germline. Affected: yes.
Comment: This variant is considered likely benign or benign based on one or more of the following criteria: it is a conservative change, it occurs at a poorly conserved position in the protein, it is predicted to be benign by multiple in silico algorithms, and/or has population frequency not consistent with disease.

Breakthrough Genomics
Classification: Benign. Review status: criteria provided, single submitter. Criteria: ACMG Guidelines, 2015. Collection method: not provided. Allele origin: germline. Inheritance: Autosomal recessive inheritance. Affected: yes.

NM_000071.3(CBS):c.1039+19C>T

Gene: CBS (cystathionine beta-synthase; minus strand). Cytogenetic location: 21q22.3.
Variant type: single nucleotide variant.
Coding change: c.1039+19C>T on transcript NM_000071.3 (MANE Select); 19 bases into the intron after coding-DNA position 1039, C replaced by T.
Molecular consequence: intron variant.
Genome position (GRCh38, 1-based): chr21:43,062,292, G>A on the plus strand (C>T on the coding strand, the complement: CBS is on the minus strand). VCF-style: chr21-43062292-G-A. GRCh37 (hg19) VCF-style: chr21-44482402-G-A.
Other names: c.1039+19C>T (NM_001320298.2, NM_001178009.3, NM_001178008.3); c.724+19C>T (NM_001321072.1).
Identifiers: ClinVar variation 136673 (VCV000136673.17), dbSNP rs182908734, ClinGen allele CA289978.
Genomic context (GRCh38, chr21:43,062,292, plus strand): 5'-AGGGTGCGCCCCCAGCCATCCCCAGTGCCCCCTAGCCATCTCTGCCTTCCCCATACCCCC[G>A]TGCCCGCCACCCACTCACCGCACAGCAGCCCCTCTTGCGCGATCAGCATGCGGGCAAAGG-3'